The following is an entry in ClinVar:

ClinVar aggregate classification (germline): Uncertain significance. Review status: criteria provided, multiple submitters, no conflicts (2 of 4 stars). 2 submissions from 2 submitters: Uncertain significance (2). Last evaluated 2024-05-14.

Conditions:
Inborn genetic diseases. Identifiers: MedGen C0950123, MeSH D030342.
Autosomal dominant childhood-onset proximal spinal muscular atrophy with contractures (SMALED2A). Also called: Spinal muscular atrophy, lower extremity-predominant, 2A, autosomal dominant; SPINAL MUSCULAR ATROPHY, LOWER EXTREMITY-PREDOMINANT, 2A, CHILDHOOD ONSET, AUTOSOMAL DOMINANT. Identifiers: Orphanet 363447, Orphanet 363454, MedGen C4747715, MONDO:0014121, OMIM 615290.

gnomAD v4.1: 1 of 1,612,284 alleles (0.000062%); highest among the groups gnomAD compares: Non-Finnish European, 0.000085%; no homozygotes.

Submissions (2):

Labcorp Genetics (formerly Invitae), Labcorp
Classification: Uncertain significance for Autosomal dominant childhood-onset proximal spinal muscular atrophy with contractures. Last evaluated: 2024-05-14. Review status: criteria provided, single submitter. Criteria: Invitae Variant Classification Sherloc (09022015). Collection method: clinical testing. Allele origin: germline.
Comment: This sequence change replaces alanine, which is neutral and non-polar, with serine, which is neutral and polar, at codon 740 of the BICD2 protein (p.Ala740Ser). This variant is not present in population databases (gnomAD no frequency). This variant has not been reported in the literature in individuals affected with BICD2-related conditions. ClinVar contains an entry for this variant (Variation ID: 1787870). Advanced modeling of protein sequence and biophysical properties (such as structural, functional, and spatial information, amino acid conservation, physicochemical variation, residue mobility, and thermodynamic stability) has been performed at Invitae for this missense variant, however the output from this modeling did not meet the statistical confidence thresholds required to predict the impact of this variant on BICD2 protein function. In summary, the available evidence is currently insufficient to determine the role of this variant in disease. Therefore, it has been classified as a Variant of Uncertain Significance.

Ambry Genetics
Classification: Uncertain significance for Inborn genetic diseases. Last evaluated: 2020-09-15. Review status: criteria provided, single submitter. Criteria: Ambry Variant Classification Scheme 2023. Collection method: clinical testing. Allele origin: germline.
Comment: The p.A740S variant (also known as c.2218G>T), located in coding exon 6 of the BICD2 gene, results from a G to T substitution at nucleotide position 2218. The alanine at codon 740 is replaced by serine, an amino acid with similar properties. This amino acid position is highly conserved in available vertebrate species. In addition, the in silico prediction for this alteration is inconclusive. Since supporting evidence is limited at this time, the clinical significance of this alteration remains unclear.

NM_001003800.2(BICD2):c.2218G>T (p.Ala740Ser)

Gene: BICD2 (BICD cargo adaptor 2; minus strand). Cytogenetic location: 9q22.31.
Variant type: single nucleotide variant.
Coding change: c.2218G>T on transcript NM_001003800.2 (MANE Select); coding-DNA position 2218, G replaced by T.
Protein change: p.Ala740Ser; replaces alanine 740 with serine.
Molecular consequence: missense variant.
Genome position (GRCh38, 1-based): chr9:92,717,837, C>A on the plus strand (G>T on the coding strand, the complement: BICD2 is on the minus strand). VCF-style: chr9-92717837-C-A. GRCh37 (hg19) VCF-style: chr9-95480119-C-A.
Other names: c.2218G>T, p.Ala740Ser (NM_015250.4); short protein forms A740S.
Identifiers: ClinVar variation 1787870 (VCV001787870.4), dbSNP rs1210812038, ClinGen allele CA374032429.